The following is an entry in ClinVar:

NM_000132.4(F8):c.6326G>C (p.Arg2109Pro)

Gene: F8 (coagulation factor VIII; minus strand). Cytogenetic location: Xq28.
Variant type: single nucleotide variant.
Coding change: c.6326G>C on transcript NM_000132.4 (MANE Select); coding-DNA position 6326, G replaced by C.
Protein change: p.Arg2109Pro; replaces arginine 2109 with proline.
Molecular consequence: missense variant.
Genome position (GRCh38, 1-based): chrX:154,896,180, C>G on the plus strand (G>C on the coding strand, the complement: F8 is on the minus strand). VCF-style: chrX-154896180-C-G. GRCh37 (hg19) VCF-style: chrX-154124455-C-G.
Other names: p.Arg2109Pro; short protein forms R2109P.
Identifiers: ClinVar variation 2683561 (VCV002683561.1), dbSNP rs781947839, ClinGen allele CA414900025.

ClinVar aggregate classification (germline): Likely pathogenic (1 of 4 stars; one submission).

Submission:

Mayo Clinic Laboratories, Mayo Clinic
Classification: Likely pathogenic. Last evaluated: 2023-03-03. Review status: criteria provided, single submitter. Criteria: ACMG Guidelines, 2015. Collection method: clinical testing. Allele origin: germline. Observed: 1 variant allele.
Comment: PP3, PM1_supporting, PM2, PM5